The following is an entry in ClinVar:

NM_020964.3(EPG5):c.5762G>A (p.Ser1921Asn)

Gene: EPG5 (ectopic P-granules 5 autophagy tethering factor; minus strand). Cytogenetic location: 18q12.3.
Variant type: single nucleotide variant.
Coding change: c.5762G>A on transcript NM_020964.3 (MANE Select); coding-DNA position 5762, G replaced by A.
Protein change: p.Ser1921Asn; replaces serine 1921 with asparagine.
Molecular consequence: missense variant.
Genome position (GRCh38, 1-based): chr18:45,879,120, C>T on the plus strand (G>A on the coding strand, the complement: EPG5 is on the minus strand). VCF-style: chr18-45879120-C-T. GRCh37 (hg19) VCF-style: chr18-43459085-C-T.
Other names: short protein forms S1921N.
Identifiers: ClinVar variation 1415245 (VCV001415245.6), dbSNP rs977677513, ClinGen allele CA299710942.

ClinVar aggregate classification (germline): Uncertain significance (1 of 4 stars; one submission).

Conditions:
Vici syndrome (VICIS). Identifiers: Orphanet 1493, MedGen C1855772, MONDO:0009452, OMIM 242840.

Allele frequency attached by ClinVar (database versions not stated): gnomAD 0.00001; gnomAD exomes 0.00001; TOPMed 0.00001.
gnomAD v4.1: 10 of 1,614,026 alleles (0.00062%); highest among the groups gnomAD compares: Non-Finnish European, 0.00085%; no homozygotes.

Submission:

Labcorp Genetics (formerly Invitae), Labcorp
Classification: Uncertain significance for Vici syndrome. Last evaluated: 2022-09-26. Review status: criteria provided, single submitter. Criteria: Invitae Variant Classification Sherloc (09022015). Collection method: clinical testing. Allele origin: germline.
Comment: This sequence change replaces serine, which is neutral and polar, with asparagine, which is neutral and polar, at codon 1921 of the EPG5 protein (p.Ser1921Asn). This variant is not present in population databases (gnomAD no frequency). This variant has not been reported in the literature in individuals affected with EPG5-related conditions. ClinVar contains an entry for this variant (Variation ID: 1415245). Advanced modeling of protein sequence and biophysical properties (such as structural, functional, and spatial information, amino acid conservation, physicochemical variation, residue mobility, and thermodynamic stability) performed at Invitae indicates that this missense variant is not expected to disrupt EPG5 protein function. In summary, the available evidence is currently insufficient to determine the role of this variant in disease. Therefore, it has been classified as a Variant of Uncertain Significance.